The following is an entry in ClinVar:

NM_031892.3(SH3KBP1):c.296G>A (p.Arg99Gln)

Gene: SH3KBP1 (SH3 domain containing kinase binding protein 1; minus strand). Cytogenetic location: Xp22.12.
Variant type: single nucleotide variant.
Coding change: c.296G>A on transcript NM_031892.3 (MANE Select); coding-DNA position 296, G replaced by A.
Protein change: p.Arg99Gln; replaces arginine 99 with glutamine.
Molecular consequence: missense variant.
Genome position (GRCh38, 1-based): chrX:19,706,975, C>T on the plus strand (G>A on the coding strand, the complement: SH3KBP1 is on the minus strand). VCF-style: chrX-19706975-C-T. GRCh37 (hg19) VCF-style: chrX-19725093-C-T.
Other names: c.185G>A, p.Arg62Gln (NM_001024666.3); c.296G>A, p.Arg99Gln (NM_001353890.2, NM_001353891.2, NM_001353892.2 and 2 more transcripts); c.119G>A, p.Arg40Gln (NM_001353893.2, NM_001353894.2, NM_001353895.2 and 1 more transcripts); short protein forms R40Q, R62Q, R99Q.
Identifiers: ClinVar variation 3607302 (VCV003607302.2).

ClinVar aggregate classification (germline): Uncertain significance (1 of 4 stars; one submission).

gnomAD v4.1: 11 of 1,206,471 alleles (0.00091%); highest among the groups gnomAD compares: Admixed American, 0.0022%; no homozygotes.

Submission:

Labcorp Genetics (formerly Invitae), Labcorp
Classification: Uncertain significance. Last evaluated: 2025-01-01. Review status: criteria provided, single submitter. Criteria: Invitae Variant Classification Sherloc (09022015). Collection method: clinical testing. Allele origin: germline.
Comment: This sequence change replaces arginine, which is basic and polar, with glutamine, which is neutral and polar, at codon 99 of the SH3KBP1 protein (p.Arg99Gln). This variant is present in population databases (rs774563910, gnomAD 0.005%). This variant has not been reported in the literature in individuals affected with SH3KBP1-related conditions. Invitae Evidence Modeling of protein sequence and biophysical properties (such as structural, functional, and spatial information, amino acid conservation, physicochemical variation, residue mobility, and thermodynamic stability) indicates that this missense variant is expected to disrupt SH3KBP1 protein function with a positive predictive value of 80%. In summary, the available evidence is currently insufficient to determine the role of this variant in disease. Therefore, it has been classified as a Variant of Uncertain Significance.